The following is an entry in ClinVar:

ClinVar aggregate classification (germline): Uncertain significance (1 of 4 stars; one submission).

Conditions:
Hypertrophic cardiomyopathy 11. Also called: ACTC1-Related Familial Hypertrophic Cardiomyopathy. Identifiers: MedGen C2677506, MONDO:0012799, OMIM 612098.
Dilated cardiomyopathy 1R (CMD1R). Identifiers: Orphanet 154, Orphanet 54260, MedGen C3150681, MONDO:0013261, OMIM 613424.
Atrial septal defect 5 (ASD5). Identifiers: Orphanet 1478, MedGen C2748552, MONDO:0013011, OMIM 612794.

Submission:

Labcorp Genetics (formerly Invitae), Labcorp
Classification: Uncertain significance for Dilated cardiomyopathy 1R; Hypertrophic cardiomyopathy 11; Atrial septal defect 5. Last evaluated: 2020-06-15. Review status: criteria provided, single submitter. Criteria: Invitae Variant Classification Sherloc (09022015). Collection method: clinical testing. Allele origin: germline.
Comment: This variant has been observed in individual(s) with dilated cardiomyopathy (Invitae). This variant is not present in population databases (ExAC no frequency). This sequence change falls in intron 4 of the ACTC1 gene. It does not directly change the encoded amino acid sequence of the ACTC1 protein, but it affects a nucleotide within the consensus splice site of the intron. In summary, the available evidence is currently insufficient to determine the role of this variant in disease. Therefore, it has been classified as a Variant of Uncertain Significance. Nucleotide substitutions within the consensus splice site are a relatively common cause of aberrant splicing (PMID: 17576681, 9536098). Algorithms developed to predict the effect of sequence changes on RNA splicing suggest that this variant may disrupt the consensus splice site, but this prediction has not been confirmed by published transcriptional studies.

Literature cited by the submitters: PubMed 17576681; PubMed 9536098.

NM_005159.5(ACTC1):c.616+4_616+7del

Genes: ACTC1 (actin alpha cardiac muscle 1; minus strand), GJD2-DT (GJD2 divergent transcript; plus strand). Cytogenetic location: 15q14.
Variant type: Deletion.
Coding change: c.616+4_616+7del on transcript NM_005159.5 (MANE Select); bases 4 to 7 of the intron after coding-DNA position 616, 4 bases deleted (AGTG; older notation c.616+4_616+7delAGTG).
Molecular consequence: splice donor variant.
Genome position (GRCh38, 1-based): chr15:34,792,401-34,792,404, CACT deleted on the plus strand (AGTG on the coding strand, the reverse complement: ACTC1 is on the minus strand); deleting any 4 consecutive bases within chr15:34,792,401-34,792,407 gives the same sequence; the c. name uses the placement nearest the transcript's 3' end. VCF-style (leftmost placement, unchanged base first): chr15-34792400-ACACT-A. GRCh37 (hg19) VCF-style: chr15-35084601-ACACT-A.
Identifiers: ClinVar variation 1014502 (VCV001014502.8), dbSNP rs1891723274, ClinGen allele CA2169208345.
Genomic context (GRCh38, chr15:34,792,400, plus strand): 5'-GTAGGCGGATTCAGTGAGAGAGGAGGAAAGCAGACCCACACTGTGGCAGATGAGACACAC[ACACT>A]CACCAGTGGTGACAAAGGAGTAGCCACGCTCAGTGAGGATCTTCATGAGGTAGTCAGTGA-3'